The following is an entry in ClinVar:

ClinVar aggregate classification (germline): Uncertain significance (1 of 4 stars; one submission).

Allele frequency attached by ClinVar (database versions not stated): gnomAD exomes below 0.00001; TOPMed below 0.00001; ExAC 0.00001; gnomAD 0.00001.
gnomAD v4.1: 7 of 1,590,400 alleles (0.00044%); highest among the groups gnomAD compares: Non-Finnish European, 0.0006%; no homozygotes.

Submission:

Labcorp Genetics (formerly Invitae), Labcorp
Classification: Uncertain significance. Last evaluated: 2022-11-01. Review status: criteria provided, single submitter. Criteria: Invitae Variant Classification Sherloc (09022015). Collection method: clinical testing. Allele origin: germline.
Comment: In summary, the available evidence is currently insufficient to determine the role of this variant in disease. Therefore, it has been classified as a Variant of Uncertain Significance. Algorithms developed to predict the effect of sequence changes on RNA splicing suggest that this variant may create or strengthen a splice site. Advanced modeling of protein sequence and biophysical properties (such as structural, functional, and spatial information, amino acid conservation, physicochemical variation, residue mobility, and thermodynamic stability) performed at Invitae indicates that this missense variant is not expected to disrupt CARMIL2 protein function. ClinVar contains an entry for this variant (Variation ID: 1411832). This variant has not been reported in the literature in individuals affected with CARMIL2-related conditions. This variant is present in population databases (rs759067822, gnomAD 0.002%). This sequence change replaces isoleucine, which is neutral and non-polar, with phenylalanine, which is neutral and non-polar, at codon 775 of the CARMIL2 protein (p.Ile775Phe).

NM_001013838.3(CARMIL2):c.2323A>T (p.Ile775Phe)

Gene: CARMIL2 (capping protein regulator and myosin 1 linker 2; plus strand). Cytogenetic location: 16q22.1.
Variant type: single nucleotide variant.
Coding change: c.2323A>T on transcript NM_001013838.3 (MANE Select); coding-DNA position 2323, A replaced by T.
Protein change: p.Ile775Phe; replaces isoleucine 775 with phenylalanine.
Molecular consequence: missense variant.
Genome position (GRCh38, 1-based): chr16:67,651,410, A>T. VCF-style: chr16-67651410-A-T. GRCh37 (hg19) VCF-style: chr16-67685313-A-T.
Other names: c.2215A>T, p.Ile739Phe (NM_001317026.3); short protein forms I739F, I775F.
Identifiers: ClinVar variation 1411832 (VCV001411832.6), dbSNP rs759067822, ClinGen allele CA8113768.
Genomic context (GRCh38, chr16:67,651,410, plus strand): 5'-CCCTCTTAGTCAGGTGTCAGCTCGCAACTGCTTTTCCTCTTTGGCCCTCAGATTCTCCCC[A>T]TTCTATATGAAGCTGGAAGCTCCCCAAGCCATCACTGGCAGCTTGGGCAGAAGCTGGAGG-3'
Protein context (NP_001013860.1, residues 765-785): NANFSLSILP[Ile775Phe]LYEAGSSPSH